The following is an entry in ClinVar:

NM_000719.7(CACNA1C):c.118C>A (p.Pro40Thr)

Gene: CACNA1C (calcium voltage-gated channel subunit alpha1 C; plus strand). Cytogenetic location: 12p13.33.
Variant type: single nucleotide variant.
Coding change: c.118C>A on transcript NM_000719.7 (MANE Select); coding-DNA position 118, C replaced by A.
Protein change: p.Pro40Thr; replaces proline 40 with threonine.
Molecular consequence: missense variant.
Genome position (GRCh38, 1-based): chr12:2,115,292, C>A. VCF-style: chr12-2115292-C-A. GRCh37 (hg19) VCF-style: chr12-2224458-C-A.
Other names: c.118C>A, p.Pro40Thr (NM_001129829.2, NM_001129830.3, NM_001129831.2 and 19 more transcripts); short protein forms P40T.
Identifiers: ClinVar variation 2959055 (VCV002959055.3), dbSNP rs2547561170, ClinGen allele CA383652967.

ClinVar aggregate classification (germline): Uncertain significance (1 of 4 stars; one submission).

Conditions:
Long QT syndrome (LQTS). Identifiers: MedGen C0023976, MeSH D008133, MONDO:0002442. Disease mechanism: loss of function. Inheritance: Various modes of inheritance.

Submission:

Labcorp Genetics (formerly Invitae), Labcorp
Classification: Uncertain significance for Long QT syndrome. Last evaluated: 2023-12-28. Review status: criteria provided, single submitter. Criteria: Invitae Variant Classification Sherloc (09022015). Collection method: clinical testing. Allele origin: germline.
Comment: This sequence change replaces proline, which is neutral and non-polar, with threonine, which is neutral and polar, at codon 40 of the CACNA1C protein (p.Pro40Thr). This variant is not present in population databases (gnomAD no frequency). This variant has not been reported in the literature in individuals affected with CACNA1C-related conditions. Advanced modeling of protein sequence and biophysical properties (such as structural, functional, and spatial information, amino acid conservation, physicochemical variation, residue mobility, and thermodynamic stability) performed at Invitae indicates that this missense variant is not expected to disrupt CACNA1C protein function with a negative predictive value of 95%. In summary, the available evidence is currently insufficient to determine the role of this variant in disease. Therefore, it has been classified as a Variant of Uncertain Significance.